The following is an entry in ClinVar:

ClinVar aggregate classification (germline): Uncertain significance (1 of 4 stars; one submission).

gnomAD v4.1: 10 of 1,610,038 alleles (0.00062%); highest among the groups gnomAD compares: African/African-American, 0.0013%; no homozygotes.

Submission:

Labcorp Genetics (formerly Invitae), Labcorp
Classification: Uncertain significance. Last evaluated: 2022-07-06. Review status: criteria provided, single submitter. Criteria: Invitae Variant Classification Sherloc (09022015). Collection method: clinical testing. Allele origin: germline.
Comment: This variant is present in population databases (rs781357595, gnomAD 0.007%). This variant has not been reported in the literature in individuals affected with INPPL1-related conditions. Algorithms developed to predict the effect of missense changes on protein structure and function are either unavailable or do not agree on the potential impact of this missense change (SIFT: "Deleterious"; PolyPhen-2: "Possibly Damaging"; Align-GVGD: "Class C0"). In summary, the available evidence is currently insufficient to determine the role of this variant in disease. Therefore, it has been classified as a Variant of Uncertain Significance. This sequence change replaces proline, which is neutral and non-polar, with leucine, which is neutral and non-polar, at codon 143 of the INPPL1 protein (p.Pro143Leu).

NM_001567.4(INPPL1):c.428C>T (p.Pro143Leu)

Gene: INPPL1 (inositol polyphosphate phosphatase like 1; plus strand). Cytogenetic location: 11q13.4.
Variant type: single nucleotide variant.
Coding change: c.428C>T on transcript NM_001567.4 (MANE Select); coding-DNA position 428, C replaced by T.
Protein change: p.Pro143Leu; replaces proline 143 with leucine.
Molecular consequence: missense variant.
Genome position (GRCh38, 1-based): chr11:72,228,757, C>T. VCF-style: chr11-72228757-C-T. GRCh37 (hg19) VCF-style: chr11-71939801-C-T.
Other names: short protein forms P143L.
Identifiers: ClinVar variation 1959442 (VCV001959442.5), dbSNP rs781357595, ClinGen allele CA6169665.